The following is an entry in ClinVar:

ClinVar aggregate classification (germline): Uncertain significance. Review status: criteria provided, multiple submitters, no conflicts (2 of 4 stars). 2 submissions from 2 submitters: Uncertain significance (2). Last evaluated 2025-10-14.

Conditions:
Fanconi anemia (FA). Also called: Fanconi's anemia. Identifiers: Orphanet 84, MedGen C0015625, MeSH D005199, MONDO:0019391.
Inborn genetic diseases. Identifiers: MedGen C0950123, MeSH D030342.

gnomAD v4.1: 2 of 1,614,110 alleles (0.00012%); highest among the groups gnomAD compares: African/African-American, 0.0027%; no homozygotes.

Submissions (2):

Labcorp Genetics (formerly Invitae), Labcorp
Classification: Uncertain significance for Fanconi anemia. Last evaluated: 2025-10-14. Review status: criteria provided, single submitter. Criteria: Invitae Variant Classification Sherloc (09022015). Collection method: clinical testing. Allele origin: germline.
Comment: This sequence change replaces glycine, which is neutral and non-polar, with glutamic acid, which is acidic and polar, at codon 1541 of the SLX4 protein (p.Gly1541Glu). This variant is not present in population databases (gnomAD no frequency). This variant has not been reported in the literature in individuals affected with SLX4-related conditions. ClinVar contains an entry for this variant (Variation ID: 2887710). An algorithm developed to predict the effect of missense changes on protein structure and function outputs the following: PolyPhen-2: "Benign". The glutamic acid amino acid residue is found in multiple mammalian species, which suggests that this missense change does not adversely affect protein function. In summary, the available evidence is currently insufficient to determine the role of this variant in disease. Therefore, it has been classified as a Variant of Uncertain Significance.

Ambry Genetics
Classification: Uncertain significance for Inborn genetic diseases. Last evaluated: 2025-02-07. Review status: criteria provided, single submitter. Criteria: Ambry Variant Classification Scheme 2023. Collection method: clinical testing. Allele origin: germline.

NM_032444.4(SLX4):c.4622G>A (p.Gly1541Glu)

Gene: SLX4 (SLX4 structure-specific endonuclease subunit; minus strand). Cytogenetic location: 16p13.3.
Variant type: single nucleotide variant.
Coding change: c.4622G>A on transcript NM_032444.4 (MANE Select); coding-DNA position 4622, G replaced by A.
Protein change: p.Gly1541Glu; replaces glycine 1541 with glutamic acid.
Molecular consequence: missense variant.
Genome position (GRCh38, 1-based): chr16:3,589,016, C>T on the plus strand (G>A on the coding strand, the complement: SLX4 is on the minus strand). VCF-style: chr16-3589016-C-T. GRCh37 (hg19) VCF-style: chr16-3639017-C-T.
Other names: short protein forms G1541E.
Identifiers: ClinVar variation 2887710 (VCV002887710.4), dbSNP rs2151120784, ClinGen allele CA394516761.